The following is an entry in ClinVar:

ClinVar aggregate classification (germline): Uncertain significance. Review status: criteria provided, multiple submitters, no conflicts (2 of 4 stars). 4 submissions from 4 submitters: Uncertain significance (4). Last evaluated 2025-07-01.

Conditions:
Inborn genetic diseases. Identifiers: MedGen C0950123, MeSH D030342.

Allele frequency attached by ClinVar (database versions not stated): ExAC 0.00001; gnomAD exomes 0.00002 and 0.00003; TOPMed 0.00003; gnomAD 0.00004; 1000 Genomes Project 30x 0.00016; 1000 Genomes Project 0.00020.
gnomAD v4.1: 30 of 1,613,648 alleles (0.0019%); highest among the groups gnomAD compares: Non-Finnish European, 0.0023%; no homozygotes.

Submissions (4):

Labcorp Genetics (formerly Invitae), Labcorp
Classification: Uncertain significance. Last evaluated: 2025-07-01. Review status: criteria provided, single submitter. Criteria: Invitae Variant Classification Sherloc (09022015). Collection method: clinical testing. Allele origin: germline.
Comment: This sequence change replaces methionine, which is neutral and non-polar, with isoleucine, which is neutral and non-polar, at codon 96 of the NRL protein (p.Met96Ile). This variant is present in population databases (rs200155900, gnomAD 0.007%). This variant has not been reported in the literature in individuals affected with NRL-related conditions. ClinVar contains an entry for this variant (Variation ID: 1499516). An algorithm developed to predict the effect of missense changes on protein structure and function (PolyPhen-2) suggests that this variant is likely to be tolerated. In summary, the available evidence is currently insufficient to determine the role of this variant in disease. Therefore, it has been classified as a Variant of Uncertain Significance.

CeGaT Center for Human Genetics Tuebingen
Classification: Uncertain significance. Last evaluated: 2024-07-01. Review status: criteria provided, single submitter. Criteria: CeGaT Center For Human Genetics Tuebingen Variant Classification Criteria Version 2. Collection method: clinical testing. Allele origin: germline. Affected: yes. Observed: 1 variant allele.
Comment: NRL: PM5, PM2:Supporting, BP4

Ambry Genetics
Classification: Uncertain significance for Inborn genetic diseases. Last evaluated: 2024-05-07. Review status: criteria provided, single submitter. Criteria: Ambry Variant Classification Scheme 2023. Collection method: clinical testing. Allele origin: germline.

Blueprint Genetics
Classification: Uncertain significance. Last evaluated: 2023-06-29. Review status: criteria provided, single submitter. Criteria: ACMG Guidelines, 2015. Collection method: clinical testing. Allele origin: germline.

NM_001354768.3(NRL):c.288G>A (p.Met96Ile)

Gene: NRL (neural retina leucine zipper; minus strand). Cytogenetic location: 14q11.2.
Variant type: single nucleotide variant.
Coding change: c.288G>A on transcript NM_001354768.3 (MANE Select); coding-DNA position 288, G replaced by A.
Protein change: p.Met96Ile; replaces methionine 96 with isoleucine.
Molecular consequence: missense variant. On other transcripts: intron variant (1).
Genome position (GRCh38, 1-based): chr14:24,082,561, C>T on the plus strand (G>A on the coding strand, the complement: NRL is on the minus strand). VCF-style: chr14-24082561-C-T. GRCh37 (hg19) VCF-style: chr14-24551770-C-T.
Other names: c.288G>A, p.Met96Ile (NM_001354769.1, NM_006177.5); c.66+222G>A (NM_001354770.2); c.288G>A (NM_006177.3); short protein forms M96I.
Identifiers: ClinVar variation 1499516 (VCV001499516.24), dbSNP rs200155900, ClinGen allele CA7122892.